The following is an entry in ClinVar:

ClinVar aggregate classification (germline): Uncertain significance. Review status: criteria provided, multiple submitters, no conflicts (2 of 4 stars). 2 submissions from 2 submitters: Uncertain significance (2). Last evaluated 2024-07-18.

Conditions:
Congenital muscular dystrophy due to integrin alpha-7 deficiency. Also called: MYOPATHY, CONGENITAL, DUE TO INTEGRIN ALPHA-7 DEFICIENCY; Congenital muscular dystrophy with integrin alpha-7 deficiency; Muscular dystrophy, congenital, due to ITGA7 deficiency. Identifiers: Orphanet 34520, MedGen C2750786, MONDO:0013177, OMIM 613204.

Allele frequency attached by ClinVar (database versions not stated): gnomAD 0.00001; gnomAD exomes 0.00001; ExAC 0.00002; TOPMed 0.00002.
gnomAD v4.1: 14 of 1,611,778 alleles (0.00087%); highest among the groups gnomAD compares: Middle Eastern, 0.016%; no homozygotes.

Submissions (2):

Blueprint Genetics
Classification: Uncertain significance. Last evaluated: 2024-07-18. Review status: criteria provided, single submitter. Criteria: ACMG Guidelines, 2015. Collection method: clinical testing. Allele origin: germline.

Labcorp Genetics (formerly Invitae), Labcorp
Classification: Uncertain significance for Congenital muscular dystrophy due to integrin alpha-7 deficiency. Last evaluated: 2022-10-17. Review status: criteria provided, single submitter. Criteria: Invitae Variant Classification Sherloc (09022015). Collection method: clinical testing. Allele origin: germline.
Comment: This sequence change replaces glycine, which is neutral and non-polar, with arginine, which is basic and polar, at codon 255 of the ITGA7 protein (p.Gly255Arg). This variant is present in population databases (rs765471725, gnomAD 0.007%). This variant has not been reported in the literature in individuals affected with ITGA7-related conditions. Advanced modeling of protein sequence and biophysical properties (such as structural, functional, and spatial information, amino acid conservation, physicochemical variation, residue mobility, and thermodynamic stability) performed at Invitae indicates that this missense variant is not expected to disrupt ITGA7 protein function. In summary, the available evidence is currently insufficient to determine the role of this variant in disease. Therefore, it has been classified as a Variant of Uncertain Significance.

NM_002206.3(ITGA7):c.763G>A (p.Gly255Arg)

Gene: ITGA7 (integrin subunit alpha 7; minus strand). Cytogenetic location: 12q13.2.
Variant type: single nucleotide variant.
Coding change: c.763G>A on transcript NM_002206.3 (MANE Select); coding-DNA position 763, G replaced by A.
Protein change: p.Gly255Arg; replaces glycine 255 with arginine.
Molecular consequence: missense variant. On other transcripts: intron variant (7).
Genome position (GRCh38, 1-based): chr12:55,699,897, C>T on the plus strand (G>A on the coding strand, the complement: ITGA7 is on the minus strand). VCF-style: chr12-55699897-C-T. GRCh37 (hg19) VCF-style: chr12-56093681-C-T.
Other names: c.763G>A, p.Gly255Arg (NM_001374465.1, NM_001414031.1, NM_001414034.1); c.895G>A, p.Gly299Arg (NM_001410977.1); c.580G>A, p.Gly194Arg (NM_001414033.1); c.424G>A, p.Gly142Arg (NM_001414035.1); c.511+365G>A (NM_001144997.2); c.463+365G>A (NM_001367993.1); c.-502-980G>A (NM_001367994.1); c.671-980G>A (NM_001414032.1); and 1 more; short protein forms G194R, G299R, G142R, G255R.
Identifiers: ClinVar variation 2147201 (VCV002147201.2), dbSNP rs765471725, ClinGen allele CA6616181.